The following is an entry in ClinVar:

ClinVar aggregate classification (germline): Benign. Review status: criteria provided, multiple submitters, no conflicts (2 of 4 stars). 7 submissions from 7 submitters: Benign (6). 1 of the submissions does not count toward it. Last evaluated 2026-02-04.

Conditions:
COG7-related disorder. Also called: COG7-related condition.
COG7 congenital disorder of glycosylation (CDG2E). Also called: CONGENITAL DISORDER OF GLYCOSYLATION, TYPE IIe; CDG IIe. Identifiers: Orphanet 79333, MedGen C2931010, MONDO:0012118, OMIM 608779.

Allele frequency attached by ClinVar (database versions not stated): gnomAD 0.07374 and 0.07234; gnomAD exomes 0.05156 and 0.03430; ExAC 0.05177; 1000 Genomes Project 30x 0.09026; ESP Exome Variant Server 0.07219; TOPMed 0.08066; 1000 Genomes Project 0.08806.
gnomAD v4.1: 61,696 of 1,613,538 alleles (3.8%); highest among the groups gnomAD compares: African/African-American, 16%; 2,091 homozygotes.

Submissions (7):

Labcorp Genetics (formerly Invitae), Labcorp
Classification: Benign for COG7 congenital disorder of glycosylation. Last evaluated: 2026-02-04. Review status: criteria provided, single submitter. Criteria: Invitae Variant Classification Sherloc (09022015). Collection method: clinical testing. Allele origin: germline.

Mayo Clinic Laboratories, Mayo Clinic
Classification: Benign. Last evaluated: 2018-04-10. Review status: criteria provided, single submitter. Criteria: ACMG Guidelines, 2015. Collection method: clinical testing. Allele origin: germline. Observed: 84 variant alleles.

Illumina Laboratory Services, Illumina
Classification: Benign for COG7 congenital disorder of glycosylation. Last evaluated: 2018-01-13. Review status: criteria provided, single submitter. Criteria: ICSL Variant Classification Criteria 13 December 2019. Collection method: clinical testing. Allele origin: germline.
Comment: This variant was observed in the ICSL laboratory as part of a predisposition screen in an ostensibly healthy population. It had not been previously curated by ICSL or reported in the Human Gene Mutation Database (HGMD: prior to June 1st, 2018), and was therefore a candidate for classification through an automated scoring system. Utilizing variant allele frequency, disease prevalence and penetrance estimates, and inheritance mode, an automated score was calculated to assess if this variant is too frequent to cause the disease. Based on the score and internal cut-off values, a variant classified as benign is not then subjected to further curation. The score for this variant resulted in a classification of benign for this disease.

GeneDx
Classification: Benign. Last evaluated: 2015-12-10. Review status: criteria provided, single submitter. Criteria: GeneDx Variant Classification (06012015). Collection method: clinical testing. Allele origin: germline. Affected: yes.
Comment: This variant is considered likely benign or benign based on one or more of the following criteria: it is a conservative change, it occurs at a poorly conserved position in the protein, it is predicted to be benign by multiple in silico algorithms, and/or has population frequency not consistent with disease.

Eurofins Ntd Llc (ga)
Classification: Benign. Last evaluated: 2012-07-25. Review status: criteria provided, single submitter. Criteria: EGL Classification Definitions 2015. Collection method: clinical testing. Allele origin: germline. Observed: 3 variant alleles, 3 heterozygotes.

Breakthrough Genomics
Classification: Benign. Review status: criteria provided, single submitter. Criteria: ACMG Guidelines, 2015. Collection method: not provided. Allele origin: germline. Inheritance: Autosomal recessive inheritance. Affected: yes.

PreventionGenetics, part of Exact Sciences
Classification: Benign for COG7-related condition. Last evaluated: 2019-05-31. Review status: no assertion criteria provided. Collection method: clinical testing. Allele origin: germline. Not counted in ClinVar's aggregate classification.
Comment: This variant is classified as benign based on ACMG/AMP sequence variant interpretation guidelines (Richards et al. 2015 PMID: 25741868, with internal and published modifications).

NM_153603.4(COG7):c.1814C>T (p.Thr605Met)

Gene: COG7 (component of oligomeric golgi complex 7; minus strand). Cytogenetic location: 16p12.2.
Variant type: single nucleotide variant.
Coding change: c.1814C>T on transcript NM_153603.4 (MANE Select); coding-DNA position 1814, C replaced by T.
Protein change: p.Thr605Met; replaces threonine 605 with methionine.
Molecular consequence: missense variant.
Genome position (GRCh38, 1-based): chr16:23,398,119, G>A on the plus strand (C>T on the coding strand, the complement: COG7 is on the minus strand). VCF-style: chr16-23398119-G-A. GRCh37 (hg19) VCF-style: chr16-23409440-G-A.
Other names: short protein forms T605M.
Identifiers: ClinVar variation 96522 (VCV000096522.20), dbSNP rs16940094, ClinGen allele CA149579.
Genomic context (GRCh38, chr16:23,398,119, plus strand): 5'-TCGAGAGGGGTGAGACTAAAGGCGGGCAGTTCATCTGTGAGGGTTTCTCCGATGCCAGCC[G>A]TATTCCAGCTCTAAGGGTGGAACGAGAGGACACAATCAGTACCTAGCAGCCAGGCAGCTG-3'
Protein context (NP_705831.1, residues 595-615): LLISKMDSWN[Thr605Met]AGIGETLTDE